The following is an entry in ClinVar:

NM_000218.3(KCNQ1):c.867C>T (p.Asn289=)

Gene: KCNQ1 (potassium voltage-gated channel subfamily Q member 1; plus strand). Cytogenetic location: 11p15.5.
Variant type: single nucleotide variant.
Coding change: c.867C>T on transcript NM_000218.3 (MANE Select); coding-DNA position 867, C replaced by T.
Protein change: p.Asn289=; no amino-acid change (asparagine 289 retained).
Molecular consequence: synonymous variant. On other transcripts: intron variant (1).
Genome position (GRCh38, 1-based): chr11:2,572,932, C>T. VCF-style: chr11-2572932-C-T. GRCh37 (hg19) VCF-style: chr11-2594162-C-T.
Other names: c.867C>T, p.Asn289= (NM_001406836.1); c.597C>T, p.Asn199= (NM_001406837.1); c.486C>T, p.Asn162= (NM_181798.2); c.478-10503C>T (NM_001406838.1).
Identifiers: ClinVar variation 925091 (VCV000925091.55), dbSNP rs1262523905, ClinGen allele CA472038179.
Genomic context (GRCh38, chr11:2,572,932, plus strand): 5'-CTTCCTGGGCCTCATCTTCTCCTCGTACTTTGTGTACCTGGCTGAGAAGGACGCGGTGAA[C>T]GAGTCAGGCCGCGTGGAGTTCGGCAGCTACGCAGATGCGCTGTGGTGGGGGGTGGTAAGT-3'
Protein context (NP_000209.2, residues 279-299): FVYLAEKDAV[Asn289=]ESGRVEFGSY

ClinVar aggregate classification (germline): Likely benign. Review status: criteria provided, multiple submitters, no conflicts (2 of 4 stars). 5 submissions from 5 submitters: Likely benign (5). Last evaluated 2026-04-01.

Conditions:
Cardiac arrhythmia. Also called: Cardiac rhythm disease; Arrhythmia. Identifiers: MedGen C0003811, MONDO:0007263, HP:0011675.
Long QT syndrome (LQTS). Identifiers: MedGen C0023976, MeSH D008133, MONDO:0002442. Disease mechanism: loss of function. Inheritance: Various modes of inheritance.
Cardiovascular phenotype. Identifiers: MedGen CN230736.

Allele frequency attached by ClinVar (database versions not stated): gnomAD exomes 0.00001; gnomAD 0.00001; TOPMed 0.00001.
gnomAD v4.1: 15 of 1,613,692 alleles (0.00093%); highest among the groups gnomAD compares: Middle Eastern, 0.049%; no homozygotes.

Submissions (5):

CeGaT Center for Human Genetics Tuebingen
Classification: Likely benign. Last evaluated: 2026-04-01. Review status: criteria provided, single submitter. Criteria: CeGaT Center For Human Genetics Tuebingen Variant Classification Criteria Version 2. Collection method: clinical testing. Allele origin: germline. Affected: yes. Observed: 1 variant allele.
Comment: KCNQ1: BP4, BP7

Labcorp Genetics (formerly Invitae), Labcorp
Classification: Likely benign for Long QT syndrome. Last evaluated: 2024-07-11. Review status: criteria provided, single submitter. Criteria: Invitae Variant Classification Sherloc (09022015). Collection method: clinical testing. Allele origin: germline.

All of Us Research Program, National Institutes of Health
Classification: Likely benign for Long QT syndrome. Last evaluated: 2024-01-11. Review status: criteria provided, single submitter. Criteria: ACMG Guidelines, 2015. Collection method: clinical testing. Allele origin: germline. Inheritance: Autosomal dominant inheritance. Observed: 6 variant alleles, 6 heterozygotes.
Comment: This study involves interpretation of variants in research participants for the purpose of population health screening. Participant phenotype was not available at the time of variant classification. Additional details can be found in publication PMID: 35346344, PMCID: PMC8962531

Ambry Genetics
Classification: Likely benign for Cardiovascular phenotype. Last evaluated: 2022-12-11. Review status: criteria provided, single submitter. Criteria: Ambry Variant Classification Scheme 2023. Collection method: clinical testing. Allele origin: germline.

Color Diagnostics, LLC DBA Color Health
Classification: Likely benign for Arrhythmia. Last evaluated: 2019-09-30. Review status: criteria provided, single submitter. Criteria: ACMG Guidelines, 2015. Collection method: clinical testing. Allele origin: germline.